The following is an entry in ClinVar:

ClinVar aggregate classification (germline): Pathogenic (1 of 4 stars; one submission).

Conditions:
T-cell immunodeficiency, congenital alopecia, and nail dystrophy. Also called: Congenital alopecia and nail dystrophy associated with severe functional T-cell immunodeficiency; Pignata Guarino syndrome. Identifiers: Orphanet 169095, MedGen C1866426, MONDO:0011132, OMIM 601705.

Submission:

Labcorp Genetics (formerly Invitae), Labcorp
Classification: Pathogenic for T-cell immunodeficiency, congenital alopecia, and nail dystrophy. Last evaluated: 2024-12-05. Review status: criteria provided, single submitter. Criteria: Invitae Variant Classification Sherloc (09022015). Collection method: clinical testing. Allele origin: germline.
Comment: This sequence change creates a premature translational stop signal (p.Phe269Profs*16) in the FOXN1 gene. It is expected to result in an absent or disrupted protein product. Loss-of-function variants in FOXN1 are known to be pathogenic (PMID: 10206641, 15180707, 31447097). This variant is not present in population databases (gnomAD no frequency). This variant has not been reported in the literature in individuals affected with FOXN1-related conditions. For these reasons, this variant has been classified as Pathogenic.

Literature cited by the submitters: PubMed 10206641; PubMed 15180707; PubMed 31447097.

NM_001369369.1(FOXN1):c.804_805del (p.Phe269fs)

Gene: FOXN1 (forkhead box N1; plus strand). Cytogenetic location: 17q11.2.
Variant type: Microsatellite.
Coding change: c.804_805del on transcript NM_001369369.1 (MANE Select); coding-DNA positions 804 to 805, 2 bases deleted (CT; older notation c.804_805delCT).
Protein change: p.Phe269fs; shifts the reading frame from phenylalanine 269.
Molecular consequence: frameshift variant.
Genome position (GRCh38, 1-based): chr17:28,529,198-28,529,199, CT deleted; deleting any 2 consecutive bases within chr17:28,529,194-28,529,199 gives the same sequence; the c. name uses the placement nearest the transcript's 3' end. VCF-style (leftmost placement, unchanged base first): chr17-28529193-CCT-C. GRCh37 (hg19) VCF-style: chr17-26856211-CCT-C.
Other names: c.804_805del, p.Phe269fs (NM_003593.3); short protein forms F269fs.
Identifiers: ClinVar variation 3726217 (VCV003726217.2).
Genomic context (GRCh38, chr17:28,529,193, plus strand): 5'-GGCTCCTCACACTATCAGTACCAGCGAATGGCACCCCAGGCCAGCACCGATGGGCACCAG[CCT>C]CTCTTCCCAAAACCCATCTATTCCTACAGGTACATTTCCCACTCTCCAGGGATGGGAGGA-3'